The following is an entry in ClinVar:

NM_177438.3(DICER1):c.4050+4dup

Gene: DICER1 (dicer 1, ribonuclease III; minus strand). Cytogenetic location: 14q32.13.
Variant type: Duplication.
Coding change: c.4050+4dup on transcript NM_177438.3 (MANE Select); 4 bases into the intron after coding-DNA position 4050, one base duplicated (A; older notation c.4050+4dupA).
Molecular consequence: intron variant.
Genome position (GRCh38, 1-based): chr14:95,103,342, T duplicated on the plus strand (A on the coding strand, the reverse complement: DICER1 is on the minus strand); the first of 2 consecutive T bases (chr14:95,103,342-95,103,343); duplicating either gives the same sequence. VCF-style (leftmost placement, unchanged base first): chr14-95103341-C-CT. GRCh37 (hg19) VCF-style: chr14-95569678-C-CT.
Other names: c.4050+4dup (NM_001291628.2, NM_030621.4, NM_001395677.1 and 12 more transcripts); c.3645+4dup (NM_001395690.1, NM_001395687.1, NM_001395689.1 and 2 more transcripts); c.3768+4dup (NM_001395686.1); c.3483+4dup (NM_001395691.1); c.2367+4dup (NM_001395697.1).
Identifiers: ClinVar variation 3501874 (VCV003501874.1).

ClinVar aggregate classification (germline): Uncertain significance (1 of 4 stars; one submission).

Conditions:
Hereditary cancer-predisposing syndrome. Also called: Tumor predisposition; Neoplastic Syndromes, Hereditary; Hereditary Cancer Syndrome; Hereditary neoplastic syndrome. Identifiers: Orphanet 140162, MedGen C0027672, MeSH D009386, MONDO:0015356.

Submission:

Ambry Genetics
Classification: Uncertain significance for Hereditary cancer-predisposing syndrome. Last evaluated: 2024-08-26. Review status: criteria provided, single submitter. Criteria: Ambry Variant Classification Scheme 2023. Collection method: clinical testing. Allele origin: germline.
Comment: The c.4050+4dupA intronic variant is located 4 nucleotides after coding exon 20 of the DICER1 gene. This variant results from a duplication of one nucleotide at position c.4050+4. This nucleotide position is well conserved in available vertebrate species. In silico splice site analysis for this alteration is inconclusive. Based on the available evidence, the clinical significance of this variant remains unclear.